The following is an entry in ClinVar:

ClinVar aggregate classification (germline): Uncertain significance (1 of 4 stars; one submission).

Conditions:
Nemaline myopathy 6 (NEM6). Also called: Nemaline myopathy 6, autosomal dominant. Identifiers: Orphanet 171439, MedGen C1836472, MONDO:0012237, OMIM 609273.

gnomAD v4.1: 3 of 1,605,500 alleles (0.00019%); highest among the groups gnomAD compares: Admixed American, 0.005%; no homozygotes.

Submission:

Labcorp Genetics (formerly Invitae), Labcorp
Classification: Uncertain significance for Nemaline myopathy 6. Last evaluated: 2025-09-17. Review status: criteria provided, single submitter. Criteria: Invitae Variant Classification Sherloc (09022015). Collection method: clinical testing. Allele origin: germline.
Comment: This sequence change replaces leucine, which is neutral and non-polar, with methionine, which is neutral and non-polar, at codon 336 of the KBTBD13 protein (p.Leu336Met). This variant is not present in population databases (gnomAD no frequency). This variant has not been reported in the literature in individuals affected with KBTBD13-related conditions. ClinVar contains an entry for this variant (Variation ID: 960861). Invitae Evidence Modeling of protein sequence and biophysical properties (such as structural, functional, and spatial information, amino acid conservation, physicochemical variation, residue mobility, and thermodynamic stability) indicates that this missense variant is not expected to disrupt KBTBD13 protein function with a negative predictive value of 80%. In summary, the available evidence is currently insufficient to determine the role of this variant in disease. Therefore, it has been classified as a Variant of Uncertain Significance.

NM_001101362.3(KBTBD13):c.1006C>A (p.Leu336Met)

Gene: KBTBD13 (kelch repeat and BTB domain containing 13; plus strand). Cytogenetic location: 15q22.31.
Variant type: single nucleotide variant.
Coding change: c.1006C>A on transcript NM_001101362.3 (MANE Select); coding-DNA position 1006, C replaced by A.
Protein change: p.Leu336Met; replaces leucine 336 with methionine.
Molecular consequence: missense variant.
Genome position (GRCh38, 1-based): chr15:65,077,821, C>A. VCF-style: chr15-65077821-C-A. GRCh37 (hg19) VCF-style: chr15-65370159-C-A.
Other names: short protein forms L336M.
Identifiers: ClinVar variation 960861 (VCV000960861.9), dbSNP rs1131691634, ClinGen allele CA392864983.
Genomic context (GRCh38, chr15:65,077,821, plus strand): 5'-GACACCACCGCCGTGGTGGAGTACGCAGTGCGGACCGACGCGTGGCTGCCAGTGGCCGAG[C>A]TGCGGCGTCCGCAGAGCTATGGCCACTGCATGGTGGCCCACCGCGACAGCCTCTATGTGG-3'
Protein context (NP_001094832.1, residues 326-346): RTDAWLPVAE[Leu336Met]RRPQSYGHCM